The following is an entry in ClinVar:

NM_001330260.2(SCN8A):c.1106A>G (p.Gln369Arg)

Gene: SCN8A (sodium voltage-gated channel alpha subunit 8; plus strand). Cytogenetic location: 12q13.13.
Variant type: single nucleotide variant.
Coding change: c.1106A>G on transcript NM_001330260.2 (MANE Select); coding-DNA position 1106, A replaced by G.
Protein change: p.Gln369Arg; replaces glutamine 369 with arginine.
Molecular consequence: missense variant.
Genome position (GRCh38, 1-based): chr12:51,702,886, A>G. VCF-style: chr12-51702886-A-G. GRCh37 (hg19) VCF-style: chr12-52096670-A-G.
Other names: c.1106A>G, p.Gln369Arg (NM_001177984.3, NM_001369788.1, NM_014191.4); short protein forms Q369R.
Identifiers: ClinVar variation 4801271 (VCV004801271.1).

ClinVar aggregate classification (germline): Uncertain significance (1 of 4 stars; one submission).

Conditions:
Early-infantile DEE. Also called: Early infantile epileptic encephalopathy with suppression bursts; Early infantile epileptic encephalopathy; Ohtahara syndrome. Identifiers: Orphanet 1934, MedGen C0393706, MONDO:0800491.

Submission:

Labcorp Genetics (formerly Invitae), Labcorp
Classification: Uncertain significance for Early-infantile DEE. Last evaluated: 2025-04-14. Review status: criteria provided, single submitter. Criteria: Invitae Variant Classification Sherloc (09022015). Collection method: clinical testing. Allele origin: germline.
Comment: This sequence change replaces glutamine, which is neutral and polar, with arginine, which is basic and polar, at codon 369 of the SCN8A protein (p.Gln369Arg). This variant is not present in population databases (gnomAD no frequency). This variant has not been reported in the literature in individuals affected with SCN8A-related conditions. Invitae Evidence Modeling of protein sequence and biophysical properties (such as structural, functional, and spatial information, amino acid conservation, physicochemical variation, residue mobility, and thermodynamic stability) indicates that this missense variant is expected to disrupt SCN8A protein function with a positive predictive value of 95%. In summary, the available evidence is currently insufficient to determine the role of this variant in disease. Therefore, it has been classified as a Variant of Uncertain Significance.